The following is an entry in ClinVar:

NM_001367561.1(DOCK7):c.3977G>A (p.Arg1326Gln)

Gene: DOCK7 (dedicator of cytokinesis 7; minus strand). Cytogenetic location: 1p31.3.
Variant type: single nucleotide variant.
Coding change: c.3977G>A on transcript NM_001367561.1 (MANE Select); coding-DNA position 3977, G replaced by A.
Protein change: p.Arg1326Gln; replaces arginine 1326 with glutamine.
Molecular consequence: missense variant.
Genome position (GRCh38, 1-based): chr1:62,513,858, C>T on the plus strand (G>A on the coding strand, the complement: DOCK7 is on the minus strand). VCF-style: chr1-62513858-C-T. GRCh37 (hg19) VCF-style: chr1-62979529-C-T.
Other names: c.3977G>A, p.Arg1326Gln (NM_001271999.2, NM_001330614.2); c.3884G>A, p.Arg1295Gln (NM_001272000.2, NM_001272001.2, NM_033407.4); c.3977G>A (NM_001271999.1); short protein forms R1295Q, R1326Q.
Identifiers: ClinVar variation 1431052 (VCV001431052.11), dbSNP rs898398334, ClinGen allele CA23783779.

ClinVar aggregate classification (germline): Uncertain significance. Review status: criteria provided, multiple submitters, no conflicts (2 of 4 stars). 3 submissions from 3 submitters: Uncertain significance (3). Last evaluated 2026-04-16.

Conditions:
Developmental and epileptic encephalopathy, 23 (DEE23). Also called: Epileptic encephalopathy, early infantile, 23. Identifiers: Orphanet 411986, MedGen C4014492, MONDO:0014371, OMIM 615859.

Allele frequency attached by ClinVar (database versions not stated): gnomAD exomes 0.00001; TOPMed 0.00004; gnomAD 0.00004.
gnomAD v4.1: 15 of 1,613,754 alleles (0.00093%); highest among the groups gnomAD compares: African/African-American, 0.012%; no homozygotes.

Submissions (3):

GeneDx
Classification: Uncertain significance. Last evaluated: 2026-04-16. Review status: criteria provided, single submitter. Criteria: GeneDx Variant Classification Process June 2021. Collection method: clinical testing. Allele origin: germline.
Comment: Not observed at significant frequency in large population cohorts (gnomAD); In silico analysis supports that this missense variant has a deleterious effect on protein structure/function; Has not been previously published as pathogenic or benign to our knowledge; In silico analysis is inconclusive as to whether the variant alters gene splicing. In the absence of RNA/functional studies, the actual effect of this sequence change is unknown.

Dasa
Classification: Uncertain significance for Developmental and epileptic encephalopathy, 23. Last evaluated: 2025-11-07. Review status: criteria provided, single submitter. Criteria: DASA Assertion Criteria. Collection method: clinical testing. Allele origin: germline.
Comment: NM_001367561.1(DOCK7):c.3977G>A (p.Arg1326Gln) is a missense variant that results in the substitution of arginine with glutamine. This variant is rare in population databases. The currently available literature and clinical evidence are not sufficient to establish a definitive association between this variant and the reported condition. Therefore, this variant is classified as a variant of uncertain significance.

Labcorp Genetics (formerly Invitae), Labcorp
Classification: Uncertain significance for Developmental and epileptic encephalopathy, 23. Last evaluated: 2024-08-06. Review status: criteria provided, single submitter. Criteria: Invitae Variant Classification Sherloc (09022015). Collection method: clinical testing. Allele origin: germline.
Comment: This sequence change replaces arginine, which is basic and polar, with glutamine, which is neutral and polar, at codon 1326 of the DOCK7 protein (p.Arg1326Gln). This variant is present in population databases (no rsID available, gnomAD 0.004%). This variant has not been reported in the literature in individuals affected with DOCK7-related conditions. ClinVar contains an entry for this variant (Variation ID: 1431052). Advanced modeling of protein sequence and biophysical properties (such as structural, functional, and spatial information, amino acid conservation, physicochemical variation, residue mobility, and thermodynamic stability) has been performed at Invitae for this missense variant, however the output from this modeling did not meet the statistical confidence thresholds required to predict the impact of this variant on DOCK7 protein function. In summary, the available evidence is currently insufficient to determine the role of this variant in disease. Therefore, it has been classified as a Variant of Uncertain Significance.